The following is an entry in ClinVar:

ClinVar aggregate classification (germline): Uncertain significance. Review status: criteria provided, multiple submitters, no conflicts (2 of 4 stars). 2 submissions from 2 submitters: Uncertain significance (2). Last evaluated 2017-05-01.

Conditions:
Hereditary cancer-predisposing syndrome. Also called: Hereditary neoplastic syndrome; Neoplastic Syndromes, Hereditary; Hereditary Cancer Syndrome; Tumor predisposition. Identifiers: Orphanet 140162, MedGen C0027672, MeSH D009386, MONDO:0015356.

gnomAD v4.1: 1 of 1,560,160 alleles (0.000064%); highest among the groups gnomAD compares: South Asian, 0.0011%; no homozygotes.

Submissions (2):

Ambry Genetics
Classification: Uncertain significance for Hereditary cancer-predisposing syndrome. Last evaluated: 2017-05-01. Review status: criteria provided, single submitter. Criteria: Ambry Variant Classification Scheme 2023. Collection method: clinical testing. Allele origin: germline.
Comment: The p.G110D variant (also known as c.329G>A), located in coding exon 4 of the RAD51D gene, results from a G to A substitution at nucleotide position 329. The glycine at codon 110 is replaced by aspartic acid, an amino acid with similar properties. This amino acid position is well conserved in available vertebrate species. In addition, the in silico prediction for this alteration is inconclusive. Since supporting evidence is limited at this time, the clinical significance of this alteration remains unclear.

GeneDx
Classification: Uncertain significance. Last evaluated: 2014-01-21. Review status: criteria provided, single submitter. Criteria: GeneDx Variant Classification (06012015). Collection method: clinical testing. Allele origin: germline. Affected: yes.
Comment: This variant is denoted RAD51D c.329G>A at the cDNA level, p.Gly110Asp (G110D) at the protein level, and results in the change of a Glycine to an Aspartic Acid (GGT>GAT). This variant has not, to our knowledge, been published in the literature as pathogenic or benign. RAD51D Gly110Asp was not observed in approximately 6,500 individuals of European and African American ancestry in the NHLBI Exome Sequencing Project, indicating it is not a common benign variant in these populations. This variant is a non-conservative substitution in which a neutral non-polar amino acid is replaced with a negative polar one, altering a position that is well conserved throughout evolution and is located within a Nucleotide-binding domain via UniProt. Multiple in silico algorithms predict that this variant may be damaging to protein structure and function. Based on the currently available information, we consider RAD51D Gly110Asp to be a variant of uncertain significance. Furthermore,

NM_002878.4(RAD51D):c.329G>A (p.Gly110Asp)

Genes: RAD51L3-RFFL (RAD51L3-RFFL readthrough; minus strand), RAD51D (RAD51 paralog D; minus strand). Cytogenetic location: 17q12.
Variant type: single nucleotide variant.
Coding change: c.329G>A on transcript NM_002878.4 (MANE Select); coding-DNA position 329, G replaced by A.
Protein change: p.Gly110Asp; replaces glycine 110 with aspartic acid.
Molecular consequence: missense variant. On other transcripts: non-coding transcript variant (2), intron variant (1).
Genome position (GRCh38, 1-based): chr17:35,107,382, C>T on the plus strand (G>A on the coding strand, the complement: RAD51D is on the minus strand). VCF-style: chr17-35107382-C-T. GRCh37 (hg19) VCF-style: chr17-33434401-C-T.
Other names: p.G110D:GGT>GAT; c.389G>A, p.Gly130Asp (NM_001142571.2); c.145-901G>A (NM_133629.3); short protein forms G110D, G130D.
Identifiers: ClinVar variation 127887 (VCV000127887.6), dbSNP rs587780103, ClinGen allele CA287971.